The following is an entry in ClinVar:

NM_002067.5(GNA11):c.322-4G>A

Gene: GNA11 (G protein subunit alpha 11; plus strand). Cytogenetic location: 19p13.3.
Variant type: single nucleotide variant.
Coding change: c.322-4G>A on transcript NM_002067.5 (MANE Select); 4 bases into the intron before coding-DNA position 322, G replaced by A.
Molecular consequence: intron variant.
Genome position (GRCh38, 1-based): chr19:3,113,326, G>A. VCF-style: chr19-3113326-G-A. GRCh37 (hg19) VCF-style: chr19-3113324-G-A.
Identifiers: ClinVar variation 2178571 (VCV002178571.5), dbSNP rs368216758, ClinGen allele CA9074821.
Genomic context (GRCh38, chr19:3,113,326, plus strand): 5'-CAAGCTTTCTGGTGGATGTGTGGCCCCAGCGAGCTCTCGACGTCTCCCCTGCCCGCCCTC[G>A]CAGGCCAATGCGCTCCTGATCCGGGAGGTGGACGTGGAGAAGGTGACCACCTTCGAGCAT-3'

ClinVar aggregate classification (germline): Likely benign. Review status: criteria provided, multiple submitters, no conflicts (2 of 4 stars). 2 submissions from 2 submitters: Likely benign (2). Last evaluated 2025-09-12.

Allele frequency attached by ClinVar (database versions not stated): gnomAD 0.00001; TOPMed 0.00002; ESP Exome Variant Server 0.00008.
gnomAD v4.1: 26 of 1,608,106 alleles (0.0016%); highest among the groups gnomAD compares: Non-Finnish European, 0.002%; no homozygotes.

Submissions (2):

Women's Health and Genetics/Laboratory Corporation of America, LabCorp
Classification: Likely benign. Last evaluated: 2025-09-12. Review status: criteria provided, single submitter. Criteria: LabCorp Variant Classification Summary - May 2015. Collection method: clinical testing. Allele origin: germline.
Comment: Variant summary: GNA11 c.322-4G>A alters a conserved nucleotide located at a position not widely known to affect splicing. Consensus agreement among computation tools predict no significant impact on normal splicing. However, these predictions have yet to be confirmed by functional studies. The variant allele was found at a frequency of 1.2e-05 in 249704 control chromosomes. The available data on variant occurrences in the general population are insufficient to allow any conclusion about variant significance. To our knowledge, no occurrence of c.322-4G>A in individuals affected with GNA11-related conditions and no experimental evidence demonstrating its impact on protein function have been reported. ClinVar contains an entry for this variant (Variation ID: 2178571). Based on the evidence outlined above, the variant was classified as likely benign.

Labcorp Genetics (formerly Invitae), Labcorp
Classification: Likely benign. Last evaluated: 2023-12-23. Review status: criteria provided, single submitter. Criteria: Invitae Variant Classification Sherloc (09022015). Collection method: clinical testing. Allele origin: germline.